The following is an entry in ClinVar:

ClinVar aggregate classification (germline): Uncertain significance (1 of 4 stars; one submission).

Conditions:
Immunodeficiency 35 (IMD35). Also called: Susceptibility to infection due to TYK2 deficiency; HIES WITH ATYPICAL MYCOBACTERIOSIS, AUTOSOMAL RECESSIVE; HYPER-IgE SYNDROME WITH ATYPICAL MYCOBACTERIOSIS, AUTOSOMAL RECESSIVE; TYK2 DEFICIENCY. Identifiers: Orphanet 331226, MedGen C1969086, MONDO:0012682, OMIM 611521.

gnomAD v4.1: 1 of 1,614,100 alleles (0.000062%); highest among the groups gnomAD compares: Admixed American, 0.0017%; no homozygotes.

Submission:

Labcorp Genetics (formerly Invitae), Labcorp
Classification: Uncertain significance for Immunodeficiency 35. Last evaluated: 2023-12-02. Review status: criteria provided, single submitter. Criteria: Invitae Variant Classification Sherloc (09022015). Collection method: clinical testing. Allele origin: germline.
Comment: This sequence change replaces arginine, which is basic and polar, with glycine, which is neutral and non-polar, at codon 197 of the TYK2 protein (p.Arg197Gly). This variant is present in population databases (no rsID available, gnomAD 0.003%). This variant has not been reported in the literature in individuals affected with TYK2-related conditions. Advanced modeling of protein sequence and biophysical properties (such as structural, functional, and spatial information, amino acid conservation, physicochemical variation, residue mobility, and thermodynamic stability) performed at Invitae indicates that this missense variant is expected to disrupt TYK2 protein function with a positive predictive value of 80%. In summary, the available evidence is currently insufficient to determine the role of this variant in disease. Therefore, it has been classified as a Variant of Uncertain Significance.

NM_003331.5(TYK2):c.589C>G (p.Arg197Gly)

Gene: TYK2 (tyrosine kinase 2; minus strand). Cytogenetic location: 19p13.2.
Variant type: single nucleotide variant.
Coding change: c.589C>G on transcript NM_003331.5 (MANE Select); coding-DNA position 589, C replaced by G.
Protein change: p.Arg197Gly; replaces arginine 197 with glycine.
Molecular consequence: missense variant.
Genome position (GRCh38, 1-based): chr19:10,366,457, G>C on the plus strand (C>G on the coding strand, the complement: TYK2 is on the minus strand). VCF-style: chr19-10366457-G-C. GRCh37 (hg19) VCF-style: chr19-10477133-G-C.
Other names: c.589C>G, p.Arg197Gly (NM_001385197.1, NM_001385198.1, NM_001385199.1 and 9 more transcripts); short protein forms R197G.
Identifiers: ClinVar variation 2811395 (VCV002811395.3), dbSNP rs376427383, ClinGen allele CA404017830.
Genomic context (GRCh38, chr19:10,366,457, plus strand): 5'-CCCACCCCATTCCCAGACACCTGGTCTTCTTGGCCACCTCCTCCAGGGGGATGCCATGGC[G>C]GAGAGCGAGGTGACAGAGGTGCAGAAAGGCCATGCCCAGGCTCTCATTCTTAAAGTGGTG-3'
Protein context (NP_003322.3, residues 187-207): AFLHLCHLAL[Arg197Gly]HGIPLEEVAK